The following is an entry in ClinVar:

NM_001267550.2(TTN):c.58150+10T>C

Genes: TTN (titin; minus strand), TTN-AS1 (TTN antisense RNA 1; plus strand). Cytogenetic location: 2q31.2.
Variant type: single nucleotide variant.
Coding change: c.58150+10T>C on transcript NM_001267550.2 (MANE Select); 10 bases into the intron after coding-DNA position 58150, T replaced by C.
Molecular consequence: intron variant.
Genome position (GRCh38, 1-based): chr2:178,594,334, A>G on the plus strand (T>C on the coding strand, the complement: TTN is on the minus strand). VCF-style: chr2-178594334-A-G. GRCh37 (hg19) VCF-style: chr2-179459061-A-G.
Other names: c.30955+10T>C (NM_003319.4); c.31531+10T>C (NM_133437.4); c.31330+10T>C (NM_133432.3); c.50446+10T>C (NM_133378.4); c.53227+10T>C (NM_001256850.1).
Identifiers: ClinVar variation 47134 (VCV000047134.18), dbSNP rs397517635, ClinGen allele CA140093.
Genomic context (GRCh38, chr2:178,594,334, plus strand): 5'-TTTATTGATGTCTTATTACAAATCTACAAATGTGCAAGTTTCAGAAGTATAAATTGTAGT[A>G]GACACATACCCAGCTCATCCTTGCAAGTAATTGGTTTGGTGCAAAATGATGGTTTGCCTT-3'

ClinVar aggregate classification (germline): Likely benign. Review status: criteria provided, multiple submitters, no conflicts (2 of 4 stars). 5 submissions from 5 submitters: Likely benign (5). Last evaluated 2025-12-22.

Conditions:
TTN-related disorder. Also called: TTN-related condition; TTN-related disease; TTN-related disorders.
Autosomal recessive limb-girdle muscular dystrophy type 2J (LGMDR10). Also called: Limb-girdle muscular dystrophy, type 2J; MUSCULAR DYSTROPHY, LIMB-GIRDLE, AUTOSOMAL RECESSIVE 10. Identifiers: Orphanet 140922, MedGen C1837342, MONDO:0012127, OMIM 608807.
Dilated cardiomyopathy 1G (CMD1G). Identifiers: Orphanet 154, MedGen C1858763, MONDO:0011400, OMIM 604145.

Allele frequency attached by ClinVar (database versions not stated): gnomAD exomes 0.00001; gnomAD 0.00002; TOPMed 0.00003.
gnomAD v4.1: 21 of 1,591,876 alleles (0.0013%); highest among the groups gnomAD compares: Admixed American, 0.0073%; no homozygotes.

Submissions (5):

Labcorp Genetics (formerly Invitae), Labcorp
Classification: Likely benign for Dilated cardiomyopathy 1G; Autosomal recessive limb-girdle muscular dystrophy type 2J. Last evaluated: 2025-12-22. Review status: criteria provided, single submitter. Criteria: Invitae Variant Classification Sherloc (09022015). Collection method: clinical testing. Allele origin: germline.

PreventionGenetics, part of Exact Sciences
Classification: Likely benign for TTN-related condition. Last evaluated: 2025-03-11. Review status: criteria provided, single submitter. Criteria: ACMG Guidelines, 2015. Collection method: clinical testing. Allele origin: germline.
Comment: This variant is classified as likely benign based on ACMG/AMP sequence variant interpretation guidelines (Richards et al. 2015 PMID: 25741868, with internal and published modifications).

Blueprint Genetics
Classification: Likely benign. Last evaluated: 2024-10-08. Review status: criteria provided, single submitter. Criteria: ACMG Guidelines, 2015. Collection method: clinical testing. Allele origin: germline.

GeneDx
Classification: Likely benign. Last evaluated: 2017-03-17. Review status: criteria provided, single submitter. Criteria: GeneDx Variant Classification (06012015). Collection method: clinical testing. Allele origin: germline. Affected: yes.
Comment: This variant is considered likely benign or benign based on one or more of the following criteria: it is a conservative change, it occurs at a poorly conserved position in the protein, it is predicted to be benign by multiple in silico algorithms, and/or has population frequency not consistent with disease.

Laboratory for Molecular Medicine, Mass General Brigham Personalized Medicine
Classification: Likely benign. Last evaluated: 2012-06-25. Review status: criteria provided, single submitter. Criteria: LMM Criteria. Collection method: clinical testing. Allele origin: germline. Observed: 2 variant alleles.
Comment: 50446+10T>C in intron 245 of TTN: This variant is not expected to have clinical significance because it is not located within the conserved splice consensus seq uence. 50446+10T>C in intron 245 of TTN (allele frequency= n/a)